The following is an entry in ClinVar:

ClinVar aggregate classification (germline): Uncertain significance (1 of 4 stars; one submission).

Conditions:
Kabuki syndrome. Also called: NIIKAWA-KUROKI SYNDROME; Kabuki make-up syndrome. Identifiers: Orphanet 2322, MedGen C0796004, MONDO:0016512.

gnomAD v4.1: 3 of 1,613,708 alleles (0.00019%); highest among the groups gnomAD compares: Non-Finnish European, 0.00025%; no homozygotes.

Submission:

Labcorp Genetics (formerly Invitae), Labcorp
Classification: Uncertain significance for Kabuki syndrome. Last evaluated: 2022-11-22. Review status: criteria provided, single submitter. Criteria: Invitae Variant Classification Sherloc (09022015). Collection method: clinical testing. Allele origin: germline.
Comment: In summary, the available evidence is currently insufficient to determine the role of this variant in disease. Therefore, it has been classified as a Variant of Uncertain Significance. Advanced modeling of protein sequence and biophysical properties (such as structural, functional, and spatial information, amino acid conservation, physicochemical variation, residue mobility, and thermodynamic stability) performed at Invitae indicates that this missense variant is not expected to disrupt KMT2D protein function. This variant has not been reported in the literature in individuals affected with KMT2D-related conditions. This variant is not present in population databases (gnomAD no frequency). This sequence change replaces arginine, which is basic and polar, with glycine, which is neutral and non-polar, at codon 1586 of the KMT2D protein (p.Arg1586Gly).

NM_003482.4(KMT2D):c.4756C>G (p.Arg1586Gly)

Gene: KMT2D (lysine methyltransferase 2D; minus strand). Cytogenetic location: 12q13.12.
Variant type: single nucleotide variant.
Coding change: c.4756C>G on transcript NM_003482.4 (MANE Select); coding-DNA position 4756, C replaced by G.
Protein change: p.Arg1586Gly; replaces arginine 1586 with glycine.
Molecular consequence: missense variant.
Genome position (GRCh38, 1-based): chr12:49,044,951, G>C on the plus strand (C>G on the coding strand, the complement: KMT2D is on the minus strand). VCF-style: chr12-49044951-G-C. GRCh37 (hg19) VCF-style: chr12-49438734-G-C.
Other names: short protein forms R1586G.
Identifiers: ClinVar variation 1720499 (VCV001720499.5), dbSNP rs759873461, ClinGen allele CA384641480.